The following is an entry in ClinVar:

ClinVar aggregate classification (germline): Uncertain significance (1 of 4 stars; one submission).

Submission:

Labcorp Genetics (formerly Invitae), Labcorp
Classification: Uncertain significance. Last evaluated: 2026-01-11. Review status: criteria provided, single submitter. Criteria: Invitae Variant Classification Sherloc (09022015). Collection method: clinical testing. Allele origin: germline.
Comment: This sequence change replaces glycine, which is neutral and non-polar, with alanine, which is neutral and non-polar, at codon 80 of the OPN1SW protein (p.Gly80Ala). This variant is not present in population databases (gnomAD no frequency). This variant has not been reported in the literature in individuals affected with OPN1SW-related conditions. An algorithm developed to predict the effect of missense changes on protein structure and function (PolyPhen-2) suggests that this variant is likely to be disruptive. In summary, the available evidence is currently insufficient to determine the role of this variant in disease. Therefore, it has been classified as a Variant of Uncertain Significance.

NM_001385125.1(OPN1SW):c.230G>C (p.Gly77Ala)

Gene: OPN1SW (opsin 1, short wave sensitive; minus strand). Cytogenetic location: 7q32.1.
Variant type: single nucleotide variant.
Coding change: c.230G>C on transcript NM_001385125.1 (MANE Select); coding-DNA position 230, G replaced by C.
Protein change: p.Gly77Ala; replaces glycine 77 with alanine.
Molecular consequence: missense variant.
Genome position (GRCh38, 1-based): chr7:128,775,552, C>G on the plus strand (G>C on the coding strand, the complement: OPN1SW is on the minus strand). VCF-style: chr7-128775552-C-G. GRCh37 (hg19) VCF-style: chr7-128415606-C-G.
Other names: short protein forms G77A.
Identifiers: ClinVar variation 4696254 (VCV004696254.1).